The following is an entry in ClinVar:

ClinVar aggregate classification (germline): Likely pathogenic (1 of 4 stars; one submission).

Submission:

GeneDx
Classification: Likely pathogenic. Last evaluated: 2017-06-28. Review status: criteria provided, single submitter. Criteria: GeneDx Variant Classification (06012015). Collection method: clinical testing. Allele origin: germline. Affected: yes.
Comment: A variant that is likely pathogenic has been identified in the DYNC1H1 gene. The E3228D variant has not been published as a pathogenic variant, nor has it been reported as a benign variant to our knowledge. The E3228D variant is not observed in large population cohorts (Lek et al., 2016; 1000 Genomes Consortium et al., 2015; Exome Variant Server). The E3228D variant is a conservative amino acid substitution, which is not likely to impact secondary protein structure as these residues share similar properties. However, this substitution occurs at a position that is conserved across species, and in silico analysis predicts this variant is probably damaging to the protein structure/function. Therefore, this variant is likely pathogenic; however, the possibility that it is benign cannot be excluded.

NM_001376.5(DYNC1H1):c.9684G>C (p.Glu3228Asp)

Gene: DYNC1H1 (dynein cytoplasmic 1 heavy chain 1; plus strand). Cytogenetic location: 14q32.31.
Variant type: single nucleotide variant.
Coding change: c.9684G>C on transcript NM_001376.5 (MANE Select); coding-DNA position 9684, G replaced by C.
Protein change: p.Glu3228Asp; replaces glutamic acid 3228 with aspartic acid.
Molecular consequence: missense variant.
Genome position (GRCh38, 1-based): chr14:102,029,860, G>C. VCF-style: chr14-102029860-G-C. GRCh37 (hg19) VCF-style: chr14-102496197-G-C.
Other names: short protein forms E3228D.
Identifiers: ClinVar variation 432895 (VCV000432895.2), dbSNP rs1555411143, ClinGen allele CA391016788.